The following is an entry in ClinVar:

NM_020297.4(ABCC9):c.1877T>C (p.Leu626Pro)

Gene: ABCC9 (ATP binding cassette subfamily C member 9; minus strand). Cytogenetic location: 12p12.1.
Variant type: single nucleotide variant.
Coding change: c.1877T>C on transcript NM_020297.4 (MANE Select); coding-DNA position 1877, T replaced by C.
Protein change: p.Leu626Pro; replaces leucine 626 with proline.
Molecular consequence: missense variant.
Genome position (GRCh38, 1-based): chr12:21,887,860, A>G on the plus strand (T>C on the coding strand, the complement: ABCC9 is on the minus strand). VCF-style: chr12-21887860-A-G. GRCh37 (hg19) VCF-style: chr12-22040794-A-G.
Other names: c.1877T>C, p.Leu626Pro (NM_001377273.1, NM_005691.4); c.1013T>C, p.Leu338Pro (NM_001377274.1); short protein forms L338P, L626P.
Identifiers: ClinVar variation 883399 (VCV000883399.9), dbSNP rs1002300338, ClinGen allele CA233623429.
Genomic context (GRCh38, chr12:21,887,860, plus strand): 5'-TTCCAAAACAAAAATAAAGCACTTACAACTCCAGTGTGCTTCTTACAGGACTCAAAAGGA[A>G]GCGAACTTTCACCAGTTCGCCAACTGTCGTCACCAATCTCATCACTCAAGAGAAACTCAT-3'
Protein context (NP_064693.2, residues 616-636): DDSWRTGESS[Leu626Pro]PFESCKKHTG

ClinVar aggregate classification (germline): Uncertain significance. Review status: criteria provided, multiple submitters, no conflicts (2 of 4 stars). 4 submissions from 3 submitters: Uncertain significance (4). Last evaluated 2025-11-17.

Conditions:
Dilated cardiomyopathy 1O (CMD1O). Also called: CARDIOMYOPATHY, DILATED, WITH VENTRICULAR TACHYCARDIA. Identifiers: Orphanet 154, MedGen C1837839, MONDO:0012062, OMIM 608569.
Cardiovascular phenotype. Identifiers: MedGen CN230736.
Hypertrichotic osteochondrodysplasia Cantu type. Also called: Cantu Syndrome; Cantú Syndrome. Identifiers: Orphanet 1517, MedGen C0795905, MONDO:0009406, OMIM 239850.

Allele frequency attached by ClinVar (database versions not stated): gnomAD exomes below 0.00001; gnomAD 0.00001; TOPMed 0.00002.
gnomAD v4.1: 3 of 1,613,398 alleles (0.00019%); highest among the groups gnomAD compares: Non-Finnish European, 0.00025%; no homozygotes.

Submissions (4):

Labcorp Genetics (formerly Invitae), Labcorp
Classification: Uncertain significance for Dilated cardiomyopathy 1O. Last evaluated: 2025-11-17. Review status: criteria provided, single submitter. Criteria: Invitae Variant Classification Sherloc (09022015). Collection method: clinical testing. Allele origin: germline.
Comment: This sequence change replaces leucine, which is neutral and non-polar, with proline, which is neutral and non-polar, at codon 626 of the ABCC9 protein (p.Leu626Pro). This variant is not present in population databases (gnomAD no frequency). This variant has not been reported in the literature in individuals affected with ABCC9-related conditions. ClinVar contains an entry for this variant (Variation ID: 883399). Invitae Evidence Modeling of protein sequence and biophysical properties (such as structural, functional, and spatial information, amino acid conservation, physicochemical variation, residue mobility, and thermodynamic stability) indicates that this missense variant is not expected to disrupt ABCC9 protein function with a negative predictive value of 95%. In summary, the available evidence is currently insufficient to determine the role of this variant in disease. Therefore, it has been classified as a Variant of Uncertain Significance.

Ambry Genetics
Classification: Uncertain significance for Cardiovascular phenotype. Last evaluated: 2019-12-17. Review status: criteria provided, single submitter. Criteria: Ambry Variant Classification Scheme 2023. Collection method: clinical testing. Allele origin: germline.
Comment: The p.L626P variant (also known as c.1877T>C), located in coding exon 13 of the ABCC9 gene, results from a T to C substitution at nucleotide position 1877. The leucine at codon 626 is replaced by proline, an amino acid with similar properties. This amino acid position is well conserved in available vertebrate species. In addition, the in silico prediction for this alteration is inconclusive. Since supporting evidence is limited at this time, the clinical significance of this alteration remains unclear.

Illumina Laboratory Services, Illumina
Classification: Uncertain significance for Hypertrichotic osteochondrodysplasia Cantu type. Last evaluated: 2018-03-23. Review status: criteria provided, single submitter. Criteria: ICSL Variant Classification Criteria 13 December 2019. Collection method: clinical testing. Allele origin: germline.

Illumina Laboratory Services, Illumina
Classification: Uncertain significance for Dilated cardiomyopathy 1O. Last evaluated: 2018-03-23. Review status: criteria provided, single submitter. Criteria: ICSL Variant Classification Criteria 13 December 2019. Collection method: clinical testing. Allele origin: germline.